The following is an entry in ClinVar:

ClinVar aggregate classification (germline): Uncertain significance (1 of 4 stars; one submission).

Conditions:
Hereditary cancer-predisposing syndrome. Also called: Neoplastic Syndromes, Hereditary; Tumor predisposition; Hereditary neoplastic syndrome; Hereditary Cancer Syndrome. Identifiers: Orphanet 140162, MedGen C0027672, MeSH D009386, MONDO:0015356.

Submission:

Ambry Genetics
Classification: Uncertain significance for Hereditary cancer-predisposing syndrome. Last evaluated: 2023-12-15. Review status: criteria provided, single submitter. Criteria: Ambry Variant Classification Scheme 2023. Collection method: clinical testing. Allele origin: germline.
Comment: The p.V1264L variant (also known as c.3790G>T), located in coding exon 15 of the APC gene, results from a G to T substitution at nucleotide position 3790. The valine at codon 1264 is replaced by leucine, an amino acid with highly similar properties. This amino acid position is conserved. In addition, in silico predictors for this gene do not accurately predict pathogenicity. Since supporting evidence is limited at this time, the clinical significance of this alteration remains unclear.

NM_000038.6(APC):c.3790G>T (p.Val1264Leu)

Gene: APC (APC regulator of Wnt signaling pathway; plus strand). Cytogenetic location: 5q22.2.
Variant type: single nucleotide variant.
Coding change: c.3790G>T on transcript NM_000038.6 (MANE Select); coding-DNA position 3790, G replaced by T.
Protein change: p.Val1264Leu; replaces valine 1264 with leucine.
Molecular consequence: missense variant. On other transcripts: non-coding transcript variant (2).
Genome position (GRCh38, 1-based): chr5:112,839,384, G>T. VCF-style: chr5-112839384-G-T. GRCh37 (hg19) VCF-style: chr5-112175081-G-T.
Other names: c.3790G>T, p.Val1264Leu (NM_001127510.3, NM_001354895.2, NM_001407450.1); c.3736G>T, p.Val1246Leu (NM_001127511.3); c.3844G>T, p.Val1282Leu (NM_001354896.2, NM_001407447.1, NM_001407448.1 and 1 more transcripts); c.3820G>T, p.Val1274Leu (NM_001354897.2); c.3715G>T, p.Val1239Leu (NM_001354898.2); c.3706G>T, p.Val1236Leu (NM_001354899.2); c.3667G>T, p.Val1223Leu (NM_001354900.2); c.3613G>T, p.Val1205Leu (NM_001354901.2, NM_001407453.1); and 11 more; short protein forms V1104L, V1135L, V1138L, V1163L, V1173L, V1181L, V1205L, V1223L.
Identifiers: ClinVar variation 3230300 (VCV003230300.1), dbSNP rs1765522658, ClinGen allele CA16029647.
Genomic context (GRCh38, chr5:112,839,384, plus strand): 5'-CAAAAGGCTGCCACTTGCAAAGTTTCTTCTATTAACCAAGAAACAATACAGACTTATTGT[G>T]TAGAAGATACTCCAATATGTTTTTCAAGATGTAGTTCATTATCATCTTTGTCATCAGCTG-3'
Protein context (NP_000029.2, residues 1254-1274): INQETIQTYC[Val1264Leu]EDTPICFSRC